The following is an entry in ClinVar:

ClinVar aggregate classification (germline): Uncertain significance (1 of 4 stars; one submission).

gnomAD v4.1: 1 of 1,613,796 alleles (0.000062%); highest among the groups gnomAD compares: Non-Finnish European, 0.000085%; no homozygotes.

Submission:

CeGaT Center for Human Genetics Tuebingen
Classification: Uncertain significance. Last evaluated: 2025-07-01. Review status: criteria provided, single submitter. Criteria: CeGaT Center For Human Genetics Tuebingen Variant Classification Criteria Version 2. Collection method: clinical testing. Allele origin: germline. Affected: yes. Observed: 1 variant allele.
Comment: WDR11: PM2

NM_018117.12(WDR11):c.1466C>G (p.Ala489Gly)

Gene: WDR11 (WD repeat domain 11; plus strand). Cytogenetic location: 10q26.12.
Variant type: single nucleotide variant.
Coding change: c.1466C>G on transcript NM_018117.12 (MANE Select); coding-DNA position 1466, C replaced by G.
Protein change: p.Ala489Gly; replaces alanine 489 with glycine.
Molecular consequence: missense variant.
Genome position (GRCh38, 1-based): chr10:120,871,341, C>G. VCF-style: chr10-120871341-C-G. GRCh37 (hg19) VCF-style: chr10-122630853-C-G.
Other names: short protein forms A489G.
Identifiers: ClinVar variation 4085334 (VCV004085334.8).